The following is an entry in ClinVar:

NM_004408.4(DNM1):c.2009T>C (p.Met670Thr)

Gene: DNM1 (dynamin 1; plus strand). Cytogenetic location: 9q34.11.
Variant type: single nucleotide variant.
Coding change: c.2009T>C on transcript NM_004408.4 (MANE Select); coding-DNA position 2009, T replaced by C.
Protein change: p.Met670Thr; replaces methionine 670 with threonine.
Molecular consequence: missense variant.
Genome position (GRCh38, 1-based): chr9:128,248,686, T>C. VCF-style: chr9-128248686-T-C. GRCh37 (hg19) VCF-style: chr9-131010965-T-C.
Other names: c.2009T>C, p.Met670Thr (NM_001005336.3, NM_001288737.2, NM_001288738.2 and 1 more transcripts); short protein forms M670T.
Identifiers: ClinVar variation 542677 (VCV000542677.11), dbSNP rs1437208936, ClinGen allele CA375000415.
Genomic context (GRCh38, chr9:128,248,686, plus strand): 5'-CCATGGACCCACAGCTGGAACGGCAAGTGGAGACCATCCGGAATCTTGTGGACTCATACA[T>C]GGCCATTGTCAACAAGACCGTGAGGGACCTCATGCCCAAGACCATCATGCACCTCATGAT-3'
Protein context (NP_004399.2, residues 660-680): ETIRNLVDSY[Met670Thr]AIVNKTVRDL

ClinVar aggregate classification (germline): Conflicting classifications of pathogenicity. Review status: criteria provided, conflicting classifications (1 of 4 stars). 2 submissions from 2 submitters: Uncertain significance (1); Likely benign (1). Last evaluated 2022-09-01.

Conditions:
Developmental and epileptic encephalopathy, 31A. Also called: Epileptic encephalopathy, early infantile, 31; Developmental and epileptic encephalopathy, 31. Identifiers: Orphanet 2382, MedGen C4225357, MONDO:0014598, OMIM 616346.

Allele frequency attached by ClinVar (database versions not stated): gnomAD exomes below 0.00001; TOPMed 0.00002.
gnomAD v4.1: 1 of 1,613,998 alleles (0.000062%); highest among the groups gnomAD compares: Non-Finnish European, 0.000085%; no homozygotes.

Submissions (2):

Labcorp Genetics (formerly Invitae), Labcorp
Classification: Likely benign for Developmental and epileptic encephalopathy, 31A. Last evaluated: 2022-09-01. Review status: criteria provided, single submitter. Criteria: Invitae Variant Classification Sherloc (09022015). Collection method: clinical testing. Allele origin: germline.

GeneDx
Classification: Uncertain significance. Last evaluated: 2022-02-11. Review status: criteria provided, single submitter. Criteria: GeneDx Variant Classification Process June 2021. Collection method: clinical testing. Allele origin: germline. Affected: yes.
Comment: Not observed at significant frequency in large population cohorts (gnomAD); In silico analysis supports that this missense variant has a deleterious effect on protein structure/function; Has not been previously published as pathogenic or benign to our knowledge